The following is an entry in ClinVar:

NM_001253852.3(AP4B1):c.114-2A>C

Gene: AP4B1 (adaptor related protein complex 4 subunit beta 1; minus strand). Cytogenetic location: 1p13.2.
Variant type: single nucleotide variant.
Coding change: c.114-2A>C on transcript NM_001253852.3 (MANE Select); the canonical splice acceptor site of the intron before coding-DNA position 114, A replaced by C.
Molecular consequence: splice acceptor variant. On other transcripts: intron variant (2).
Genome position (GRCh38, 1-based): chr1:113,902,864, T>G on the plus strand (A>C on the coding strand, the complement: AP4B1 is on the minus strand). VCF-style: chr1-113902864-T-G. GRCh37 (hg19) VCF-style: chr1-114445486-T-G.
Other names: c.-56-130A>C (NM_001253853.3); c.114-2A>C (NM_006594.5); c.113+1741A>C (NM_001308312.2).
Identifiers: ClinVar variation 252667 (VCV000252667.12), dbSNP rs879255396, ClinGen allele CA10585950.

ClinVar aggregate classification (germline): Pathogenic. Review status: criteria provided, multiple submitters, no conflicts (2 of 4 stars). 5 submissions from 5 submitters: Pathogenic (4). 1 of the submissions does not count toward it. Last evaluated 2024-11-05.

Conditions:
Spastic paraplegia. Identifiers: MedGen C0037772, HP:0001258.
Hereditary spastic paraplegia 47. Also called: CEREBRAL PALSY, SPASTIC QUADRIPLEGIC, 5; adaptor protein 4 (AP-4) deficiency syndrome; Spastic paraplegia 47, autosomal recessive. Identifiers: Orphanet 280763, MedGen C3279738, MONDO:0013551, OMIM 614066.

Submissions (5):

Labcorp Genetics (formerly Invitae), Labcorp
Classification: Pathogenic for Hereditary spastic paraplegia 47. Last evaluated: 2024-11-05. Review status: criteria provided, single submitter. Criteria: Invitae Variant Classification Sherloc (09022015). Collection method: clinical testing. Allele origin: germline.
Comment: This sequence change affects an acceptor splice site in intron 2 of the AP4B1 gene. It is expected to disrupt RNA splicing. Variants that disrupt the donor or acceptor splice site typically lead to a loss of protein function (PMID: 16199547), and loss-of-function variants in AP4B1 are known to be pathogenic (PMID: 22290197, 24700674, 24781758). This variant is not present in population databases (gnomAD no frequency). Disruption of this splice site has been observed in individuals with hereditary spastic paraplegia (PMID: 29193663). ClinVar contains an entry for this variant (Variation ID: 252667). Algorithms developed to predict the effect of sequence changes on RNA splicing suggest that this variant may disrupt the consensus splice site. For these reasons, this variant has been classified as Pathogenic.

Revvity Omics, Revvity
Classification: Pathogenic for Hereditary spastic paraplegia 47. Last evaluated: 2024-08-23. Review status: criteria provided, single submitter. Criteria: ACMG Guidelines, 2015. Collection method: clinical testing. Allele origin: germline.

Genome-Nilou Lab
Classification: Pathogenic for Hereditary spastic paraplegia 47. Last evaluated: 2023-04-11. Review status: criteria provided, single submitter. Criteria: ACMG Guidelines, 2015. Collection method: clinical testing. Allele origin: germline. Affected: no.

Genomic Diagnostic Laboratory, Division of Genomic Diagnostics, Children's Hospital of Philadelphia
Classification: Pathogenic. Last evaluated: 2015-11-08. Review status: criteria provided, single submitter. Criteria: DGD Variant Analysis Guidelines. Collection method: clinical testing. Allele origin: unknown.

Yale Center for Mendelian Genomics, Yale University
Classification: Likely pathogenic for Spastic paraplegia. Last evaluated: 2020-10-01. Review status: no assertion criteria provided. Collection method: literature only. Allele origin: germline. Affected: yes. Observed: 1 compound heterozygote. Study: Yale Center for Mendelian Genomics. Not counted in ClinVar's aggregate classification.

Literature cited by the submitters: PubMed 16199547 (cited by Labcorp Genetics (formerly Invitae), Labcorp); PubMed 22290197 (cited by Labcorp Genetics (formerly Invitae), Labcorp); PubMed 24700674 (cited by Labcorp Genetics (formerly Invitae), Labcorp); PubMed 24781758 (cited by Labcorp Genetics (formerly Invitae), Labcorp); PubMed 29193663 (cited by Labcorp Genetics (formerly Invitae), Labcorp); PubMed 32979048 (cited by Yale Center for Mendelian Genomics, Yale University).